The following is an entry in ClinVar:

ClinVar aggregate classification (germline): Conflicting classifications of pathogenicity. Review status: criteria provided, conflicting classifications (1 of 4 stars). 6 submissions from 6 submitters: Uncertain significance (1); Likely benign (3). 2 of the submissions do not count toward it. Last evaluated 2026-05-20.

Conditions:
Autosomal dominant polycystic kidney disease. Identifiers: Orphanet 730, MedGen C0085413, MONDO:0004691.
PKD1-related disorder. Also called: PKD1-related condition.
Polycystic kidney disease. Also called: Polycystic kidney dysplasia; Kidney, Polycystic. Identifiers: MedGen C0022680, MeSH D007690, MONDO:0020642, HP:0000113.

Submissions (6):

GeneDx
Classification: Uncertain significance. Last evaluated: 2026-05-20. Review status: criteria provided, single submitter. Criteria: GeneDx Variant Classification Process June 2021. Collection method: clinical testing. Allele origin: germline.
Comment: Observed in a patient with PKD in published literature; however, clinical information was not available for this patient (PMID: 26150605); In silico analysis supports that this missense variant has a deleterious effect on protein structure/function; This variant is associated with the following publications: (PMID: 26150605)

Mayo Clinic Laboratories, Mayo Clinic
Classification: Likely benign. Last evaluated: 2025-05-28. Review status: criteria provided, single submitter. Criteria: ACMG Guidelines, 2015. Collection method: clinical testing. Allele origin: germline. Observed: 2 variant alleles.
Comment: BS1, BP4_moderate

Blueprint Genetics
Classification: Likely benign. Last evaluated: 2024-10-14. Review status: criteria provided, single submitter. Criteria: ACMG Guidelines, 2015. Collection method: clinical testing. Allele origin: germline.

Molecular Genetics of Inherited Kidney Disorders Laboratory, Garvan Institute of Medical Research
Classification: Likely benign for Autosomal dominant polycystic kidney disease. Last evaluated: 2019-01-01. Review status: criteria provided, single submitter. Criteria: ACMG Guidelines, 2015. Collection method: research. Allele origin: germline. Affected: yes.

PreventionGenetics, part of Exact Sciences
Classification: Likely benign for PKD1-related condition. Last evaluated: 2020-09-02. Review status: no assertion criteria provided. Collection method: clinical testing. Allele origin: germline. Not counted in ClinVar's aggregate classification.
Comment: This variant is classified as likely benign based on ACMG/AMP sequence variant interpretation guidelines (Richards et al. 2015 PMID: 25741868, with internal and published modifications).

Department of Pathology and Laboratory Medicine, Sinai Health System
Classification: Likely benign for Polycystic Kidney disease. Review status: no assertion criteria provided. Collection method: clinical testing. Allele origin: unknown. Affected: yes. Study: The Canadian Open Genetics Repository (COGR). Not counted in ClinVar's aggregate classification.
Comment: The PKD1 p.Pro2736Arg variant was not identified in the literature nor was it identified in the ClinVar, COGR, LOVD 3.0, ADPKD Mutation Database, or the PKD1-LOVD database. The variant was identified in dbSNP (ID: rs760592410) as â€šÃ„ÃºNA alleleâ€šÃ„Ã¹, and in control databases in 46 of 241564 chromosomes at a frequency of 0.00019 increasing the likelihood this could be a low frequency variant in certain populations of origin (Genome Aggregation Consortium Feb 27, 2017); It was identified in the following populations: African in 21 of 7678 chromosomes (frequency: 0.003), African in 37 of 14698 chromosomes (frequency: 0.003), Other in 1 of 5378 chromosomes (frequency: 0.0002), Latino in 4 of 33396 chromosomes (frequency: 0.0001), European Non-Finnish in 3 of 108784 chromosomes (frequency: 0.00003), and East Asian in 1 of 17094 chromosomes (frequency: 0.00006). In addition we cannot be certain that data from control databases is specific to PKD1 and not from one of the six PKD1 pseudogenes. The p.Pro2736Arg residue is conserved in in mammals but not in more distantly related organisms however computational analyses (PolyPhen-2, SIFT, AlignGVGD, BLOSUM, MutationTaster) do not suggest a high likelihood of impact to the protein; this information is not predictive enough to rule out pathogenicity. The variant occurs outside of the splicing consensus sequence and in silico or computational prediction software programs (SpliceSiteFinder, MaxEntScan, NNSPLICE, GeneSplicer, HumanSpliceFinder) do not predict a difference in splicing. In summary, based on the above information the clinical significance of this variant cannot be determined with certainty at this time although we would lean towards a more benign role for this variant. This variant is classified as likely benign.

Literature cited by the submitters: PubMed 26150605 (cited by Mayo Clinic Laboratories, Mayo Clinic).

NM_001009944.3(PKD1):c.8207C>G (p.Pro2736Arg)

Gene: PKD1 (polycystin 1, transient receptor potential channel interacting; minus strand). Cytogenetic location: 16p13.3.
Variant type: single nucleotide variant.
Coding change: c.8207C>G on transcript NM_001009944.3 (MANE Select); coding-DNA position 8207, C replaced by G.
Protein change: p.Pro2736Arg; replaces proline 2736 with arginine.
Molecular consequence: missense variant.
Genome position (GRCh38, 1-based): chr16:2,103,850, G>C on the plus strand (C>G on the coding strand, the complement: PKD1 is on the minus strand). VCF-style: chr16-2103850-G-C. GRCh37 (hg19) VCF-style: chr16-2153851-G-C.
Other names: p.Pro2736Arg; c.8207C>G, p.Pro2736Arg (NM_000296.4); short protein forms P2736R.
Identifiers: ClinVar variation 976819 (VCV000976819.8), dbSNP rs760592410, ClinGen allele CA7830611.
Genomic context (GRCh38, chr16:2,103,850, plus strand): 5'-GTCAGGTTGTAGGCCTGGGACGCCACCATCCGAGATGGTGACTCGGCTCCCAGCTCTGAG[G>C]GCTGTGGTGCCCGCACGTCCGAGCTGGCCAGGTGGATGAGGTCTCCTGCAGACATGCGTG-3'
Protein context (NP_001009944.3, residues 2726-2746): LASSDVRAPQ[Pro2736Arg]SELGAESPSR